The following is an entry in ClinVar:

ClinVar aggregate classification (germline): Conflicting classifications of pathogenicity. Review status: criteria provided, conflicting classifications (1 of 4 stars). 2 submissions from 2 submitters: Likely pathogenic (1); Uncertain significance (1). Last evaluated 2025-02-25.

Conditions:
Hereditary cancer-predisposing syndrome. Also called: Tumor predisposition; Hereditary Cancer Syndrome; Neoplastic Syndromes, Hereditary; Hereditary neoplastic syndrome. Identifiers: Orphanet 140162, MedGen C0027672, MeSH D009386, MONDO:0015356.

Submissions (2):

GeneDx
Classification: Uncertain significance. Last evaluated: 2025-02-25. Review status: criteria provided, single submitter. Criteria: GeneDx Variant Classification Process June 2021. Collection method: clinical testing. Allele origin: germline. Affected: yes.
Comment: Not observed at significant frequency in large population cohorts (gnomAD); In silico analysis supports that this missense variant has a deleterious effect on protein structure/function; Has not been previously published as pathogenic or benign to our knowledge

Ambry Genetics
Classification: Likely pathogenic for Hereditary cancer-predisposing syndrome. Last evaluated: 2024-11-12. Review status: criteria provided, single submitter. Criteria: Ambry Variant Classification Scheme 2023. Collection method: clinical testing. Allele origin: germline.
Comment: The p.L1086P variant (also known as c.3257T>C), located in coding exon 19 of the PTCH1 gene, results from a T to C substitution at nucleotide position 3257. The leucine at codon 1086 is replaced by proline, an amino acid with similar properties. This variant has been observed in at least one individual with a personal and/or family history that is consistent with PTCH1-associated disease (Ambry internal data). This amino acid position is highly conserved in available vertebrate species. In addition, this alteration is predicted to be deleterious by in silico analysis. Based on internal structural analysis, L1086P is deleterious. The variant is highly destabilizing to the local structure (Ambry internal data). This variant is considered to be rare based on population cohorts in the Genome Aggregation Database (gnomAD). Based on the majority of available evidence to date, this variant is likely to be pathogenic.

NM_000264.5(PTCH1):c.3257T>C (p.Leu1086Pro)

Gene: PTCH1 (patched 1; minus strand). Cytogenetic location: 9q22.32.
Variant type: single nucleotide variant.
Coding change: c.3257T>C on transcript NM_000264.5 (MANE Select); coding-DNA position 3257, T replaced by C.
Protein change: p.Leu1086Pro; replaces leucine 1086 with proline.
Molecular consequence: missense variant. On other transcripts: non-coding transcript variant (1).
Genome position (GRCh38, 1-based): chr9:95,456,325, A>G on the plus strand (T>C on the coding strand, the complement: PTCH1 is on the minus strand). VCF-style: chr9-95456325-A-G. GRCh37 (hg19) VCF-style: chr9-98218607-A-G.
Other names: c.3059T>C, p.Leu1020Pro (NM_001083602.3); c.3254T>C, p.Leu1085Pro (NM_001083603.3); c.2804T>C, p.Leu935Pro (NM_001083604.3, NM_001083605.3, NM_001083606.3 and 1 more transcripts); c.3101T>C, p.Leu1034Pro (NM_001354918.2); short protein forms L1085P, L1034P, L1086P, L1020P, L935P.
Identifiers: ClinVar variation 823329 (VCV000823329.6), dbSNP rs1588535542, ClinGen allele CA374112051.